The following is an entry in ClinVar:

NM_001853.4(COL9A3):c.1835A>G (p.Asp612Gly)

Gene: COL9A3 (collagen type IX alpha 3 chain; plus strand). Cytogenetic location: 20q13.33.
Variant type: single nucleotide variant.
Coding change: c.1835A>G on transcript NM_001853.4 (MANE Select); coding-DNA position 1835, A replaced by G.
Protein change: p.Asp612Gly; replaces aspartic acid 612 with glycine.
Molecular consequence: missense variant.
Genome position (GRCh38, 1-based): chr20:62,838,732, A>G. VCF-style: chr20-62838732-A-G. GRCh37 (hg19) VCF-style: chr20-61470084-A-G.
Other names: short protein forms D612G.
Identifiers: ClinVar variation 2775502 (VCV002775502.3), dbSNP rs2516093633, ClinGen allele CA409600169.

ClinVar aggregate classification (germline): Uncertain significance (1 of 4 stars; one submission).

Allele frequency attached by ClinVar (database versions not stated): gnomAD exomes below 0.00001.
gnomAD v4.1: 9 of 1,552,282 alleles (0.00058%); highest among the groups gnomAD compares: Non-Finnish European, 0.00052%; no homozygotes.

Submission:

Labcorp Genetics (formerly Invitae), Labcorp
Classification: Uncertain significance. Last evaluated: 2023-09-27. Review status: criteria provided, single submitter. Criteria: Invitae Variant Classification Sherloc (09022015). Collection method: clinical testing. Allele origin: germline.
Comment: This variant has not been reported in the literature in individuals affected with COL9A3-related conditions. This variant is not present in population databases (gnomAD no frequency). This sequence change replaces aspartic acid, which is acidic and polar, with glycine, which is neutral and non-polar, at codon 612 of the COL9A3 protein (p.Asp612Gly). Advanced modeling of protein sequence and biophysical properties (such as structural, functional, and spatial information, amino acid conservation, physicochemical variation, residue mobility, and thermodynamic stability) performed at Invitae indicates that this missense variant is not expected to disrupt COL9A3 protein function. In summary, the available evidence is currently insufficient to determine the role of this variant in disease. Therefore, it has been classified as a Variant of Uncertain Significance.